The following is an entry in ClinVar:

NM_001429.4(EP300):c.2023A>G (p.Met675Val)

Gene: EP300 (EP300 lysine acetyltransferase; plus strand). Cytogenetic location: 22q13.2.
Variant type: single nucleotide variant.
Coding change: c.2023A>G on transcript NM_001429.4 (MANE Select); coding-DNA position 2023, A replaced by G.
Protein change: p.Met675Val; replaces methionine 675 with valine.
Molecular consequence: missense variant.
Genome position (GRCh38, 1-based): chr22:41,141,192, A>G. VCF-style: chr22-41141192-A-G. GRCh37 (hg19) VCF-style: chr22-41537196-A-G.
Other names: c.2023A>G, p.Met675Val (NM_001362843.2); short protein forms M675V.
Identifiers: ClinVar variation 2894722 (VCV002894722.3), dbSNP rs1394264199, ClinGen allele CA411688514.
Genomic context (GRCh38, chr22:41,141,192, plus strand): 5'-CAGAACATGCTACCAAATGCTGCAGGCATGGTTCCAGTTTCCATGAATCCAGGGCCTAAC[A>G]TGGGACAGCCGCAACCAGGAATGACTTCTAGTAAGTGGTTTTTGTTATATTTCTGTTTGA-3'
Protein context (NP_001420.2, residues 665-685): VPVSMNPGPN[Met675Val]GQPQPGMTSN

ClinVar aggregate classification (germline): Uncertain significance (1 of 4 stars; one submission).

Conditions:
Rubinstein-Taybi syndrome due to EP300 haploinsufficiency. Also called: RUBINSTEIN-TAYBI SYNDROME 2; EP300-Related Rubinstein-Taybi Syndrome. Identifiers: Orphanet 353284, Orphanet 783, MedGen C3150941, MONDO:0013364, OMIM 613684.

Allele frequency attached by ClinVar (database versions not stated): gnomAD exomes below 0.00001.
gnomAD v4.1: 2 of 1,614,216 alleles (0.00012%); highest among the groups gnomAD compares: Non-Finnish European, 0.000085%; no homozygotes.

Submission:

Labcorp Genetics (formerly Invitae), Labcorp
Classification: Uncertain significance for Rubinstein-Taybi syndrome due to EP300 haploinsufficiency. Last evaluated: 2024-02-26. Review status: criteria provided, single submitter. Criteria: Invitae Variant Classification Sherloc (09022015). Collection method: clinical testing. Allele origin: germline.
Comment: This sequence change replaces methionine, which is neutral and non-polar, with valine, which is neutral and non-polar, at codon 675 of the EP300 protein (p.Met675Val). This variant is not present in population databases (gnomAD no frequency). This variant has not been reported in the literature in individuals affected with EP300-related conditions. Advanced modeling of protein sequence and biophysical properties (such as structural, functional, and spatial information, amino acid conservation, physicochemical variation, residue mobility, and thermodynamic stability) performed at Invitae indicates that this missense variant is not expected to disrupt EP300 protein function with a negative predictive value of 80%. In summary, the available evidence is currently insufficient to determine the role of this variant in disease. Therefore, it has been classified as a Variant of Uncertain Significance.